The following is an entry in ClinVar:

NM_001384474.1(LOXHD1):c.3148G>T (p.Glu1050Ter)

Gene: LOXHD1 (lipoxygenase homology PLAT domains 1; minus strand). Cytogenetic location: 18q21.1.
Variant type: single nucleotide variant.
Coding change: c.3148G>T on transcript NM_001384474.1 (MANE Select); coding-DNA position 3148, G replaced by T.
Protein change: p.Glu1050Ter; replaces glutamic acid 1050 with a stop codon.
Molecular consequence: nonsense.
Genome position (GRCh38, 1-based): chr18:46,559,516, C>A on the plus strand (G>T on the coding strand, the complement: LOXHD1 is on the minus strand). VCF-style: chr18-46559516-C-A. GRCh37 (hg19) VCF-style: chr18-44139479-C-A.
Other names: c.3148G>T, p.Glu1050Ter (NM_144612.7); short protein forms E1050*.
Identifiers: ClinVar variation 505330 (VCV000505330.10), dbSNP rs1555679863, ClinGen allele CA402369226.
Genomic context (GRCh38, chr18:46,559,516, plus strand): 5'-GCTCAAATTTGTTGGACTTGTCTGACTTCTTCAGGGGTCGTTCGCCCGTGTCTCCATACT[C>A]CTCGCCGTAGATGGTTAGGTAGACGTTAGCATCAGTGCCGGCCTTGGGCACATTCCCCGT-3'

ClinVar aggregate classification (germline): Pathogenic/Likely pathogenic. Review status: criteria provided, multiple submitters, no conflicts (2 of 4 stars). 4 submissions from 4 submitters: Pathogenic (2); Likely pathogenic (2). Last evaluated 2025-02-24.

Conditions:
Nonsyndromic genetic hearing loss. Also called: Nonsyndromic genetic deafness; Nonsyndromic hearing loss and deafness; Non-syndromic genetic deafness. Identifiers: Orphanet 87884, MedGen C5680182, MONDO:0019497.
Rare genetic deafness. Identifiers: Orphanet 96210, MedGen C5680250.
Autosomal recessive nonsyndromic hearing loss 77. Identifiers: Orphanet 90636, MedGen C2746083, MONDO:0013119, OMIM 613079.

Allele frequency attached by ClinVar (database versions not stated): gnomAD exomes below 0.00001.
gnomAD v4.1: 2 of 1,552,084 alleles (0.00013%); highest among the groups gnomAD compares: African/African-American, 0.0014%; no homozygotes.

Submissions (4):

Natera, Inc.
Classification: Likely pathogenic for Autosomal recessive deafness type 77. Last evaluated: 2025-02-24. Review status: criteria provided, single submitter. Criteria: Natera Variant Classification Schema (03/2026). Collection method: clinical testing. Allele origin: germline.
Comment: The c.3148G>T variant in LOXHD1 is a nonsense variant predicted to introduce a stop codon at amino acid 1050. This variant is expected to result in nonsense mediated decay, truncation, or a dysfunctional protein product. This variant is rare in the general population with a frequency below the threshold expected for the associated phenotype(s). Given the available evidence, this variant is classified as Likely Pathogenic.

Women's Health and Genetics/Laboratory Corporation of America, LabCorp
Classification: Likely pathogenic for Nonsyndromic genetic hearing loss. Last evaluated: 2023-03-30. Review status: criteria provided, single submitter. Criteria: LabCorp Variant Classification Summary - May 2015. Collection method: clinical testing. Allele origin: germline.
Comment: Variant summary: LOXHD1 c.3148G>T (p.Glu1050X) results in a premature termination codon, predicted to cause a truncation of the encoded protein or absence of the protein due to nonsense mediated decay, which are commonly known mechanisms for disease. Truncations downstream of this position have been classified as pathogenic in ClinVar. The variant was absent in 159756 control chromosomes (gnomAD). To our knowledge, no occurrence of c.3148G>T in individuals affected with Nonsyndromic Hearing Loss And Deafness, Type 77 and no experimental evidence demonstrating its impact on protein function have been reported. Two clinical diagnostic laboratories have submitted clinical-significance assessments for this variant to ClinVar after 2014 and classified the variant as pathogenic. Based on the evidence outlined above, the variant was classified as likely pathogenic.

Labcorp Genetics (formerly Invitae), Labcorp
Classification: Pathogenic. Last evaluated: 2022-09-10. Review status: criteria provided, single submitter. Criteria: Invitae Variant Classification Sherloc (09022015). Collection method: clinical testing. Allele origin: germline.
Comment: For these reasons, this variant has been classified as Pathogenic. ClinVar contains an entry for this variant (Variation ID: 505330). This variant has not been reported in the literature in individuals affected with LOXHD1-related conditions. This variant is not present in population databases (gnomAD no frequency). This sequence change creates a premature translational stop signal (p.Glu1050*) in the LOXHD1 gene. It is expected to result in an absent or disrupted protein product. Loss-of-function variants in LOXHD1 are known to be pathogenic (PMID: 19732867, 21465660, 25792669).

Laboratory for Molecular Medicine, Mass General Brigham Personalized Medicine
Classification: Pathogenic for Rare genetic deafness. Last evaluated: 2016-10-25. Review status: criteria provided, single submitter. Criteria: LMM Criteria. Collection method: clinical testing. Allele origin: germline. Inheritance: Autosomal recessive inheritance. Observed: 1 variant allele.
Comment: The p.Glu1050X variant in LOXHD1 has not been previously reported in individuals with hearing loss or in large population studies. This nonsense variant leads t o a premature termination codon at position 1050, which is predicted to lead to a truncated or absent protein. Loss of function of the LOXHD1 gene is an establi shed disease mechanism in autosomal recessive hearing loss. In summary, this var iant meets criteria to be classified as pathogenic for autosomal recessive heari ng loss based on the predicted impact to the protein.

Literature cited by the submitters: PubMed 19732867 (cited by Labcorp Genetics (formerly Invitae), Labcorp); PubMed 21465660 (cited by Labcorp Genetics (formerly Invitae), Labcorp); PubMed 25792669 (cited by Labcorp Genetics (formerly Invitae), Labcorp).